The following is an entry in ClinVar:

NM_004168.4(SDHA):c.856C>T (p.Pro286Ser)

Gene: SDHA (succinate dehydrogenase complex flavoprotein subunit A; plus strand). Cytogenetic location: 5p15.33.
Variant type: single nucleotide variant.
Coding change: c.856C>T on transcript NM_004168.4 (MANE Select); coding-DNA position 856, C replaced by T.
Protein change: p.Pro286Ser; replaces proline 286 with serine.
Molecular consequence: missense variant.
Genome position (GRCh38, 1-based): chr5:230,961, C>T. VCF-style: chr5-230961-C-T. GRCh37 (hg19) VCF-style: chr5-231076-C-T.
Other names: c.712C>T, p.Pro238Ser (NM_001294332.2); c.856C>T, p.Pro286Ser (NM_001330758.2); short protein forms P286S, P238S.
Identifiers: ClinVar variation 646688 (VCV000646688.14), dbSNP rs1579397496, ClinGen allele CA359011889.

ClinVar aggregate classification (germline): Uncertain significance. Review status: criteria provided, multiple submitters, no conflicts (2 of 4 stars). 2 submissions from 2 submitters: Uncertain significance (2). Last evaluated 2024-07-21.

Conditions:
Pheochromocytoma/paraganglioma syndrome 5. Also called: Paragangliomas 5; SDHA-Related Hereditary Paraganglioma-Pheochromocytoma Syndrome. Identifiers: Orphanet 29072, MedGen C3279992, MONDO:0013602, OMIM 614165.
Mitochondrial complex II deficiency, nuclear type 1. Also called: SUCCINATE CoQ REDUCTASE DEFICIENCY. Identifiers: Orphanet 3208, MedGen C5700310, MONDO:0100294, OMIM 252011.
Hereditary cancer-predisposing syndrome. Also called: Tumor predisposition; Neoplastic Syndromes, Hereditary; Hereditary Cancer Syndrome; Hereditary neoplastic syndrome. Identifiers: Orphanet 140162, MedGen C0027672, MeSH D009386, MONDO:0015356.

gnomAD v4.1: 1 of 1,613,978 alleles (0.000062%); no homozygotes.

Submissions (2):

Labcorp Genetics (formerly Invitae), Labcorp
Classification: Uncertain significance for Pheochromocytoma/paraganglioma syndrome 5; Mitochondrial complex II deficiency, nuclear type 1. Last evaluated: 2024-07-21. Review status: criteria provided, single submitter. Criteria: Invitae Variant Classification Sherloc (09022015). Collection method: clinical testing. Allele origin: germline.
Comment: This sequence change replaces proline, which is neutral and non-polar, with serine, which is neutral and polar, at codon 286 of the SDHA protein (p.Pro286Ser). This variant is not present in population databases (gnomAD no frequency). This variant has not been reported in the literature in individuals affected with SDHA-related conditions. ClinVar contains an entry for this variant (Variation ID: 646688). Advanced modeling of protein sequence and biophysical properties (such as structural, functional, and spatial information, amino acid conservation, physicochemical variation, residue mobility, and thermodynamic stability) performed at Invitae indicates that this missense variant is not expected to disrupt SDHA protein function with a negative predictive value of 95%. In summary, the available evidence is currently insufficient to determine the role of this variant in disease. Therefore, it has been classified as a Variant of Uncertain Significance.

Ambry Genetics
Classification: Uncertain significance for Hereditary cancer-predisposing syndrome. Last evaluated: 2024-03-28. Review status: criteria provided, single submitter. Criteria: Ambry Variant Classification Scheme 2023. Collection method: clinical testing. Allele origin: germline.
Comment: The p.P286S variant (also known as c.856C>T), located in coding exon 7 of the SDHA gene, results from a C to T substitution at nucleotide position 856. The proline at codon 286 is replaced by serine, an amino acid with similar properties. This amino acid position is highly conserved in available vertebrate species. In addition, the in silico prediction for this alteration is inconclusive. Since supporting evidence is limited at this time, the clinical significance of this alteration remains unclear.